The following is an entry in ClinVar:

ClinVar aggregate classification (germline): Uncertain significance. Review status: criteria provided, multiple submitters, no conflicts (2 of 4 stars). 3 submissions from 3 submitters: Uncertain significance (3). Last evaluated 2025-12-24.

Conditions:
Ataxia-telangiectasia syndrome (AT). Also called: Cerebello-oculocutaneous telangiectasia; Immunodeficiency with ataxia telangiectasia; LOUIS-BAR SYNDROME; AT, COMPLEMENTATION GROUP C; ATAXIA-TELANGIECTASIA, COMPLEMENTATION GROUP A; ATAXIA-TELANGIECTASIA, FRESNO VARIANT. Identifiers: Orphanet 100, MedGen C0004135, MONDO:0008840, OMIM 208900.
Hereditary cancer-predisposing syndrome. Also called: Tumor predisposition; Hereditary neoplastic syndrome; Neoplastic Syndromes, Hereditary; Hereditary Cancer Syndrome. Identifiers: Orphanet 140162, MedGen C0027672, MeSH D009386, MONDO:0015356.

Submissions (3):

Labcorp Genetics (formerly Invitae), Labcorp
Classification: Uncertain significance for Ataxia-telangiectasia syndrome. Last evaluated: 2025-12-24. Review status: criteria provided, single submitter. Criteria: Invitae Variant Classification Sherloc (09022015). Collection method: clinical testing. Allele origin: germline.
Comment: This sequence change replaces glutamic acid, which is acidic and polar, with lysine, which is basic and polar, at codon 359 of the ATM protein (p.Glu359Lys). This variant is not present in population databases (gnomAD no frequency). This variant has not been reported in the literature in individuals affected with ATM-related conditions. ClinVar contains an entry for this variant (Variation ID: 941692). Invitae Evidence Modeling of protein sequence and biophysical properties (such as structural, functional, and spatial information, amino acid conservation, physicochemical variation, residue mobility, and thermodynamic stability) indicates that this missense variant is not expected to disrupt ATM protein function with a negative predictive value of 95%. Algorithms developed to predict the effect of sequence changes on RNA splicing suggest that this variant may disrupt the consensus splice site. In summary, the available evidence is currently insufficient to determine the role of this variant in disease. Therefore, it has been classified as a Variant of Uncertain Significance.

Ambry Genetics
Classification: Uncertain significance for Hereditary cancer-predisposing syndrome. Last evaluated: 2025-04-10. Review status: criteria provided, single submitter. Criteria: Ambry Variant Classification Scheme 2023. Collection method: clinical testing. Allele origin: germline.
Comment: The p.E359K variant (also known as c.1075G>A), located in coding exon 8 of the ATM gene, results from a G to A substitution at nucleotide position 1075. The glutamic acid at codon 359 is replaced by lysine, an amino acid with similar properties. This amino acid position is well conserved in available vertebrate species. In addition, this alteration is predicted to be tolerated by in silico analysis. Based on the available evidence, the clinical significance of this variant remains unclear.

Athena Diagnostics
Classification: Uncertain significance. Last evaluated: 2022-07-05. Review status: criteria provided, single submitter. Criteria: Athena Diagnostics Criteria. Collection method: clinical testing. Allele origin: unknown.

NM_000051.4(ATM):c.1075G>A (p.Glu359Lys)

Gene: ATM (ATM serine/threonine kinase; plus strand). Cytogenetic location: 11q22.3.
Variant type: single nucleotide variant.
Coding change: c.1075G>A on transcript NM_000051.4 (MANE Select); coding-DNA position 1075, G replaced by A.
Protein change: p.Glu359Lys; replaces glutamic acid 359 with lysine.
Molecular consequence: missense variant.
Genome position (GRCh38, 1-based): chr11:108,248,942, G>A. VCF-style: chr11-108248942-G-A. GRCh37 (hg19) VCF-style: chr11-108119669-G-A.
Other names: c.1075G>A, p.Glu359Lys (NM_001351834.2); short protein forms E359K.
Identifiers: ClinVar variation 941692 (VCV000941692.14), dbSNP rs2079988487, ClinGen allele CA382532330.